The following is an entry in ClinVar:

ClinVar aggregate classification (germline): Benign/Likely benign. Review status: criteria provided, multiple submitters, no conflicts (2 of 4 stars). 7 submissions from 7 submitters: Benign (2); Likely benign (2). 3 of the submissions do not count toward it. Last evaluated 2026-01-07.

Allele frequency attached by ClinVar (database versions not stated): ESP Exome Variant Server 0.00115; 1000 Genomes Project 30x 0.00141; TOPMed 0.00156; 1000 Genomes Project 0.00160; ExAC 0.00223; gnomAD 0.00252 and 0.00262; gnomAD exomes 0.00254 and 0.00262.
gnomAD v4.1: 4,173 of 1,605,508 alleles (0.26%); highest among the groups gnomAD compares: Admixed American, 0.26%; 14 homozygotes.

Submissions (7):

Labcorp Genetics (formerly Invitae), Labcorp
Classification: Benign. Last evaluated: 2026-01-07. Review status: criteria provided, single submitter. Criteria: Invitae Variant Classification Sherloc (09022015). Collection method: clinical testing. Allele origin: germline.

Blueprint Genetics
Classification: Likely benign. Last evaluated: 2024-11-27. Review status: criteria provided, single submitter. Criteria: ACMG Guidelines, 2015. Collection method: clinical testing. Allele origin: germline.

CeGaT Center for Human Genetics Tuebingen
Classification: Likely benign. Last evaluated: 2023-02-01. Review status: criteria provided, single submitter. Criteria: CeGaT Center For Human Genetics Tuebingen Variant Classification Criteria Version 2. Collection method: clinical testing. Allele origin: germline. Affected: yes. Observed: 1 variant allele.
Comment: SORL1: BP4, BP7

Breakthrough Genomics
Classification: Benign. Review status: criteria provided, single submitter. Criteria: ACMG Guidelines, 2015. Collection method: not provided. Allele origin: germline. Inheritance: Unknown mechanism. Affected: yes.

Clinical Genetics DNA and cytogenetics Diagnostics Lab, Erasmus MC, Erasmus Medical Center
Classification: Benign. Review status: no assertion criteria provided. Collection method: clinical testing. Allele origin: germline. Affected: yes. Study: VKGL Data-share Consensus. Not counted in ClinVar's aggregate classification.

Department of Pathology and Laboratory Medicine, Sinai Health System
Classification: Uncertain significance. Review status: no assertion criteria provided. Collection method: clinical testing. Allele origin: unknown. Affected: yes. Study: The Canadian Open Genetics Repository (COGR). Not counted in ClinVar's aggregate classification.

Genome Diagnostics Laboratory, Amsterdam University Medical Center
Classification: Likely benign. Review status: no assertion criteria provided. Collection method: clinical testing. Allele origin: germline. Affected: yes. Study: VKGL Data-share Consensus. Not counted in ClinVar's aggregate classification.

NM_003105.6(SORL1):c.5448T>C (p.Tyr1816=)

Gene: SORL1 (sortilin related receptor 1; plus strand). Cytogenetic location: 11q24.1.
Variant type: single nucleotide variant.
Coding change: c.5448T>C on transcript NM_003105.6 (MANE Select); coding-DNA position 5448, T replaced by C.
Protein change: p.Tyr1816=; no amino-acid change (tyrosine 1816 retained).
Molecular consequence: synonymous variant.
Genome position (GRCh38, 1-based): chr11:121,614,899, T>C. VCF-style: chr11-121614899-T-C. GRCh37 (hg19) VCF-style: chr11-121485608-T-C.
Identifiers: ClinVar variation 715825 (VCV000715825.38), dbSNP rs150315143, ClinGen allele CA6329968.
Genomic context (GRCh38, chr11:121,614,899, plus strand): 5'-CCTCCTGGAATCTCCTTTTCCTGTTTTCACAGTTGGCAATCTGACAGCTCATACATCCTA[T>C]GAGATTTCTGCCTGGGCCAAGACTGACTTGGGGGATAGCCCTCTGGCATTTGAGCATGTT-3'
Protein context (NP_003096.2, residues 1806-1826): KVGNLTAHTS[Tyr1816=]EISAWAKTDL